The following is an entry in ClinVar:

NM_000049.4(ASPA):c.541C>A (p.Pro181Thr)

Genes: ASPA (aspartoacylase; plus strand), SPATA22 (spermatogenesis associated 22; minus strand). Cytogenetic location: 17p13.2.
Variant type: single nucleotide variant.
Coding change: c.541C>A on transcript NM_000049.4 (MANE Select); coding-DNA position 541, C replaced by A.
Protein change: p.Pro181Thr; replaces proline 181 with threonine.
Molecular consequence: missense variant. On other transcripts: intron variant (2).
Genome position (GRCh38, 1-based): chr17:3,489,249, C>A. VCF-style: chr17-3489249-C-A. GRCh37 (hg19) VCF-style: chr17-3392543-C-A.
Other names: c.541C>A, p.Pro181Thr (NM_001128085.1); c.-73-19851G>T (NM_001321336.2, NM_001321337.2); short protein forms P181T.
Identifiers: ClinVar variation 188940 (VCV000188940.62), dbSNP rs786204572, ClinGen allele CA274160.
Genomic context (GRCh38, chr17:3,489,249, plus strand): 5'-ATTTTCATACTTATATAAATGTGACTATCTCTCCTTCTGTACCTAGGTATAGAAGTTGGT[C>A]CTCAGCCTCAAGGGGTTCTGAGAGCTGATATCTTGGATCAAATGAGAAAAATGATTAAAC-3'
Protein context (NP_000040.1, residues 171-191): AKYPVGIEVG[Pro181Thr]QPQGVLRADI

ClinVar aggregate classification (germline): Pathogenic. Review status: criteria provided, multiple submitters, no conflicts (2 of 4 stars). 7 submissions from 7 submitters: Pathogenic (6). 1 of the submissions does not count toward it. Last evaluated 2025-12-23.

Conditions:
Canavan Disease, Familial Form. Identifiers: MedGen C0751663.
Spongy degeneration of central nervous system. Also called: ASPA DEFICIENCY; ASPARTOACYLASE DEFICIENCY; ACY2 DEFICIENCY; AMINOACYLASE 2 DEFICIENCY; CANAVAN-VAN BOGAERT-BERTRAND DISEASE; ASP DEFICIENCY. Identifiers: Orphanet 141, MedGen C0206307, MONDO:0010079, OMIM 271900.

Allele frequency attached by ClinVar (database versions not stated): gnomAD exomes 0.00001.
gnomAD v4.1: 10 of 1,611,524 alleles (0.00062%); highest among the groups gnomAD compares: Non-Finnish European, 0.00085%; no homozygotes.

Submissions (7):

Natera, Inc.
Classification: Pathogenic for Canavan Disease. Last evaluated: 2025-12-23. Review status: criteria provided, single submitter. Criteria: Natera Variant Classification Schema (03/2026). Collection method: clinical testing. Allele origin: germline.
Comment: The c.541C>A variant in ASPA is a missense variant predicted to cause substitution of proline to threonine at amino acid 181. This variant is rare in the general population with a frequency below the threshold expected for the associated phenotype(s). This variant has been observed in one or more individuals affected with the associated recessive disease, as either homozygous or compound heterozygous with a second variant (PMID: 10909858, 16854607, 34011350). Computational prediction algorithms indicate this variant is likely to affect gene or protein function. Given the available evidence, this variant is classified as Pathogenic.

Fulgent Genetics
Classification: Pathogenic for Spongy degeneration of central nervous system. Last evaluated: 2024-03-08. Review status: criteria provided, single submitter. Criteria: ACMG Guidelines, 2015. Collection method: clinical testing. Allele origin: germline.

Labcorp Genetics (formerly Invitae), Labcorp
Classification: Pathogenic for Spongy degeneration of central nervous system. Last evaluated: 2023-12-29. Review status: criteria provided, single submitter. Criteria: Invitae Variant Classification Sherloc (09022015). Collection method: clinical testing. Allele origin: germline.
Comment: This sequence change replaces proline, which is neutral and non-polar, with threonine, which is neutral and polar, at codon 181 of the ASPA protein (p.Pro181Thr). This variant is not present in population databases (gnomAD no frequency). This missense change has been observed in individuals with Canavan disease (PMID: 10909858, 12638939, 16854607). ClinVar contains an entry for this variant (Variation ID: 188940). Advanced modeling of protein sequence and biophysical properties (such as structural, functional, and spatial information, amino acid conservation, physicochemical variation, residue mobility, and thermodynamic stability) performed at Invitae indicates that this missense variant is expected to disrupt ASPA protein function with a positive predictive value of 95%. Experimental studies have shown that this missense change affects ASPA function (PMID: 22750302, 22850825). For these reasons, this variant has been classified as Pathogenic.

Women's Health and Genetics/Laboratory Corporation of America, LabCorp
Classification: Pathogenic for Canavan Disease, Familial Form. Last evaluated: 2022-05-30. Review status: criteria provided, single submitter. Criteria: LabCorp Variant Classification Summary - May 2015. Collection method: clinical testing. Allele origin: germline.
Comment: Variant summary: ASPA c.541C>A (p.Pro181Thr) results in a non-conservative amino acid change in the encoded protein sequence. Five of five in-silico tools predict a damaging effect of the variant on protein function. The variant was absent in 251224 control chromosomes. c.541C>A has been reported in the literature in individuals affected with Canavan Disease (examples: Sistermans_2000, Zeng_2002, Schober_2011, etc). Four clinical diagnostic laboratories have submitted clinical-significance assessments for this variant to ClinVar after 2014 without evidence for independent evaluation. All laboratories classified the variant as pathogenic. Based on the evidence outlined above, the variant was classified as pathogenic.

Genome-Nilou Lab
Classification: Pathogenic for Spongy degeneration of central nervous system. Last evaluated: 2021-11-07. Review status: criteria provided, single submitter. Criteria: ACMG Guidelines, 2015. Collection method: clinical testing. Allele origin: germline. Affected: no.

CeGaT Center for Human Genetics Tuebingen
Classification: Pathogenic. Last evaluated: 2018-10-01. Review status: criteria provided, single submitter. Criteria: CeGaT Center For Human Genetics Tuebingen Variant Classification Criteria Version 2. Collection method: clinical testing. Allele origin: germline. Affected: yes. Observed: 1 variant allele.

Counsyl
Classification: Likely pathogenic for Spongy degeneration of central nervous system. Last evaluated: 2014-08-26. Review status: no assertion criteria provided. Collection method: literature only. Allele origin: unknown. Inheritance: Autosomal recessive inheritance. Not counted in ClinVar's aggregate classification.

Literature cited by the submitters: PubMed 10909858 (cited by 4 submitters); PubMed 16854607 (cited by Natera, Inc. and Labcorp Genetics (formerly Invitae), Labcorp); PubMed 34011350 (cited by Natera, Inc.); PubMed 12638939 (cited by 3 submitters); PubMed 22750302 (cited by Labcorp Genetics (formerly Invitae), Labcorp and Counsyl); PubMed 22850825 (cited by Labcorp Genetics (formerly Invitae), Labcorp and Counsyl); PubMed 21907889 (cited by Women's Health and Genetics/Laboratory Corporation of America, LabCorp and Counsyl); PubMed 16802711 (cited by Counsyl); PubMed 23233226 (cited by Counsyl); PubMed 17194761 (cited by Counsyl).